The following is an entry in ClinVar:

ClinVar aggregate classification (germline): Uncertain significance (1 of 4 stars; one submission).

Conditions:
TMEM216-related disorder. Also called: TMEM216-related disorders; TMEM216-related condition.

Submission:

PreventionGenetics, part of Exact Sciences
Classification: Uncertain significance for TMEM216-related condition. Last evaluated: 2026-07-27. Review status: criteria provided, single submitter. Criteria: ACMG Guidelines, 2015. Collection method: clinical testing. Allele origin: germline.
Comment: The TMEM216 c.173T>A variant is predicted to result in the amino acid substitution p.Leu58Gln. To our knowledge, this variant has not been reported in the literature. This variant is reported in 0.0083% of alleles in individuals of African descent in gnomAD. At this time, the clinical significance of this variant is uncertain due to the absence of conclusive functional and genetic evidence.

NM_001173990.3(TMEM216):c.173T>A (p.Leu58Gln)

Gene: TMEM216 (transmembrane protein 216; plus strand). Cytogenetic location: 11q12.2.
Variant type: single nucleotide variant.
Coding change: c.173T>A on transcript NM_001173990.3 (MANE Select); coding-DNA position 173, T replaced by A.
Protein change: p.Leu58Gln; replaces leucine 58 with glutamine.
Molecular consequence: missense variant. On other transcripts: 5 prime UTR variant (2).
Genome position (GRCh38, 1-based): chr11:61,393,920, T>A. VCF-style: chr11-61393920-T-A. GRCh37 (hg19) VCF-style: chr11-61161392-T-A.
Other names: c.173T>A, p.Leu58Gln (NM_001173991.3); c.-11T>A (NM_001330285.2, NM_016499.6); short protein forms L58Q.
Identifiers: ClinVar variation 4996804 (VCV004996804.1).
Genomic context (GRCh38, chr11:61,393,920, plus strand): 5'-AAACTCTGGCTTTTGTATTGGCAGGTGTCCTGCTACCATATCCAACAGCTAACCTAGTAC[T>A]GGATGTGGTGATGCTCCTCCTTTATCTTGGAATTGAAGTAATTCGCCTGTTTTTTGGTAA-3'
Protein context (NP_001167461.1, residues 48-68): LLPYPTANLV[Leu58Gln]DVVMLLLYLG